The following is an entry in ClinVar:

NM_000124.4(ERCC6):c.61C>T (p.Gln21Ter)

Gene: ERCC6 (ERCC excision repair 6, chromatin remodeling factor; minus strand). Cytogenetic location: 10q11.23.
Variant type: single nucleotide variant.
Coding change: c.61C>T on transcript NM_000124.4 (MANE Select); coding-DNA position 61, C replaced by T.
Protein change: p.Gln21Ter; replaces glutamine 21 with a stop codon.
Molecular consequence: nonsense.
Genome position (GRCh38, 1-based): chr10:49,532,904, G>A on the plus strand (C>T on the coding strand, the complement: ERCC6 is on the minus strand). VCF-style: chr10-49532904-G-A. GRCh37 (hg19) VCF-style: chr10-50740950-G-A.
Other names: c.61C>T, p.Gln21Ter (NM_001277058.2, NM_001277059.2, NM_001346440.2); short protein forms Q21*.
Identifiers: ClinVar variation 551535 (VCV000551535.17), dbSNP rs577021605, ClinGen allele CA206585604.
Genomic context (GRCh38, chr10:49,532,904, plus strand): 5'-CCTCCCCATCACCACCACTTTCTTGCTTGATTGCCATTTCTTCATTATTACTGACAGGTT[G>A]ACTCTGTAAACAGTCTTGCTCCTGAGTTTGACTTGAGTGGGGGATTCCCTCATTTGGCAT-3'

ClinVar aggregate classification (germline): Pathogenic. Review status: criteria provided, multiple submitters, no conflicts (2 of 4 stars). 6 submissions from 6 submitters: Pathogenic (5). 1 of the submissions does not count toward it. Last evaluated 2025-05-21.

Conditions:
ERCC6-related disorder. Also called: ERCC6-related condition; ERCC6-related disorders. Identifiers: MedGen CN239385.
Cockayne syndrome type 2 (CSB). Also called: COCKAYNE SYNDROME B; Cockayne Syndrome, Type II. Identifiers: Orphanet 191, Orphanet 90322, MedGen C0751038, MONDO:0019570, OMIM 133540.
DE SANCTIS-CACCHIONE SYNDROME. Identifiers: MedGen C0265201, MONDO:0010217, OMIM 278800.
Cerebrooculofacioskeletal syndrome 1 (COFS1). Also called: Cerebro-oculo-facio-skeletal syndrome 1. Identifiers: MedGen C0220722, MONDO:0008955, OMIM 214150.
Cockayne syndrome. Identifiers: Orphanet 191, MedGen C0009207, MONDO:0016006.
Premature ovarian failure 11 (POF11). Identifiers: MedGen C4310783, MONDO:0014843, OMIM 616946.
Age related macular degeneration 5. Identifiers: MedGen C3151063, MONDO:0013409, OMIM 613761.
UV-sensitive syndrome 1 (UVSS1). Identifiers: Orphanet 178338, MedGen C3551173, MONDO:0010909, OMIM 600630.
Lung cancer. Also called: Lung cancer, somatic; Malignant tumor of lung. Identifiers: MedGen C0242379, MONDO:0008903, OMIM 211980.

Submissions (6):

Labcorp Genetics (formerly Invitae), Labcorp
Classification: Pathogenic. Last evaluated: 2025-05-21. Review status: criteria provided, single submitter. Criteria: Invitae Variant Classification Sherloc (09022015). Collection method: clinical testing. Allele origin: germline.
Comment: This sequence change creates a premature translational stop signal (p.Gln21*) in the ERCC6 gene. It is expected to result in an absent or disrupted protein product. Loss-of-function variants in ERCC6 are known to be pathogenic (PMID: 18628313, 29572252). This variant is not present in population databases (gnomAD no frequency). This variant has not been reported in the literature in individuals affected with ERCC6-related conditions. ClinVar contains an entry for this variant (Variation ID: 551535). For these reasons, this variant has been classified as Pathogenic.

Fulgent Genetics
Classification: Pathogenic for Cockayne syndrome type 2; Lung cancer; Cerebrooculofacioskeletal syndrome 1; DE SANCTIS-CACCHIONE SYNDROME; UV-sensitive syndrome 1; Age related macular degeneration 5; Premature ovarian failure 11. Last evaluated: 2024-03-13. Review status: criteria provided, single submitter. Criteria: ACMG Guidelines, 2015. Collection method: clinical testing. Allele origin: germline.

Women's Health and Genetics/Laboratory Corporation of America, LabCorp
Classification: Pathogenic for Cockayne syndrome. Last evaluated: 2024-03-12. Review status: criteria provided, single submitter. Criteria: LabCorp Variant Classification Summary - May 2015. Collection method: clinical testing. Allele origin: germline.
Comment: Variant summary: ERCC6 c.61C>T (p.Gln21X) results in a premature termination codon, predicted to cause a truncation of the encoded protein or absence of the protein due to nonsense mediated decay, which are commonly known mechanisms for disease. The variant was absent in 251466 control chromosomes. To our knowledge, no occurrence of c.61C>T in individuals affected with Cockayne Syndrome and no experimental evidence demonstrating its impact on protein function have been reported. ClinVar contains an entry for this variant (Variation ID: 551535). Based on the evidence outlined above, the variant was classified as pathogenic.

Dasa
Classification: Pathogenic for ERCC6-related disorder. Last evaluated: 2022-04-10. Review status: criteria provided, single submitter. Criteria: ACMG Guidelines, 2015. Collection method: clinical testing. Allele origin: germline. Affected: yes. Observed: 1 variant allele.
Comment: The c.61C>T;p.(Gln21*) variant creates a premature translational stop signal in the ERCC6 gene. It is expected to result in an absent or disrupted protein product -PVS1. This sequence change has been observed in affected individual(s) and ClinVar contains an entry for this variant (ClinVar ID: 551535) - PS4. This variant is not present in population databases (rs577021605- gnomAD; ABraOM no frequency) - PM2. In summary, the currently available evidence indicates that the variant is pathogenic.

Laboratorio de Genetica e Diagnostico Molecular, Hospital Israelita Albert Einstein
Classification: Pathogenic. Last evaluated: 2020-01-09. Review status: criteria provided, single submitter. Criteria: ACMG Guidelines, 2015. Collection method: clinical testing. Allele origin: germline. Affected: yes.
Comment: ACMG classification criteria: PVS1, PS4, PM2

Counsyl
Classification: Likely pathogenic for Cockayne syndrome type 2; Cerebrooculofacioskeletal syndrome 1; DE SANCTIS-CACCHIONE SYNDROME. Last evaluated: 2017-04-14. Review status: no assertion criteria provided. Collection method: clinical testing. Allele origin: unknown. Not counted in ClinVar's aggregate classification.

Literature cited by the submitters: PubMed 18628313 (cited by Labcorp Genetics (formerly Invitae), Labcorp); PubMed 29572252 (cited by Labcorp Genetics (formerly Invitae), Labcorp).